The following is an entry in ClinVar:

ClinVar aggregate classification (germline): Uncertain significance (1 of 4 stars; one submission).

Conditions:
CHARGE syndrome (CHARGE). Also called: Hittner Hirsch Kreh syndrome; CHARGE ASSOCIATION--COLOBOMA, HEART ANOMALY, CHOANAL ATRESIA, RETARDATION, GENITAL AND EAR ANOMALIES; Coloboma, heart anomaly, choanal atresia, retardation, genital and ear anomalies; CHARGE association; Hall-Hittner syndrome. Identifiers: Orphanet 138, MedGen C0265354, MONDO:0008965.

Submission:

Labcorp Genetics (formerly Invitae), Labcorp
Classification: Uncertain significance for CHARGE syndrome. Last evaluated: 2024-01-28. Review status: criteria provided, single submitter. Criteria: Invitae Variant Classification Sherloc (09022015). Collection method: clinical testing. Allele origin: germline.
Comment: This sequence change replaces aspartic acid, which is acidic and polar, with asparagine, which is neutral and polar, at codon 303 of the SEMA3E protein (p.Asp303Asn). This variant is not present in population databases (gnomAD no frequency). This variant has not been reported in the literature in individuals affected with SEMA3E-related conditions. Advanced modeling of protein sequence and biophysical properties (such as structural, functional, and spatial information, amino acid conservation, physicochemical variation, residue mobility, and thermodynamic stability) performed at Invitae indicates that this missense variant is not expected to disrupt SEMA3E protein function with a negative predictive value of 80%. In summary, the available evidence is currently insufficient to determine the role of this variant in disease. Therefore, it has been classified as a Variant of Uncertain Significance.

NM_012431.3(SEMA3E):c.907G>A (p.Asp303Asn)

Gene: SEMA3E (semaphorin 3E; minus strand). Cytogenetic location: 7q21.11.
Variant type: single nucleotide variant.
Coding change: c.907G>A on transcript NM_012431.3 (MANE Select); coding-DNA position 907, G replaced by A.
Protein change: p.Asp303Asn; replaces aspartic acid 303 with asparagine.
Molecular consequence: missense variant.
Genome position (GRCh38, 1-based): chr7:83,405,966, C>T on the plus strand (G>A on the coding strand, the complement: SEMA3E is on the minus strand). VCF-style: chr7-83405966-C-T. GRCh37 (hg19) VCF-style: chr7-83035282-C-T.
Other names: c.727G>A, p.Asp243Asn (NM_001178129.2); short protein forms D243N, D303N.
Identifiers: ClinVar variation 2801114 (VCV002801114.3), dbSNP rs1360883404, ClinGen allele CA367929898.